The following is an entry in ClinVar:

ClinVar aggregate classification (germline): Benign. Review status: criteria provided, multiple submitters, no conflicts (2 of 4 stars). 4 submissions from 4 submitters: Benign (3). 1 of the submissions does not count toward it. Last evaluated 2025-12-28.

Conditions:
COL8A2-related disorder. Also called: COL8A2-related condition.

Allele frequency attached by ClinVar (database versions not stated): ESP Exome Variant Server 0.00356; gnomAD 0.01197 and 0.01356; TOPMed 0.01481; ExAC 0.02182; gnomAD exomes 0.02322; 1000 Genomes Project 0.04133; 1000 Genomes Project 30x 0.04138.

Submissions (4):

Labcorp Genetics (formerly Invitae), Labcorp
Classification: Benign. Last evaluated: 2025-12-28. Review status: criteria provided, single submitter. Criteria: Invitae Variant Classification Sherloc (09022015). Collection method: clinical testing. Allele origin: germline.

GeneDx
Classification: Benign. Last evaluated: 2018-08-25. Review status: criteria provided, single submitter. Criteria: GeneDx Variant Classification Process June 2021. Collection method: clinical testing. Allele origin: germline. Affected: yes.

Breakthrough Genomics
Classification: Benign. Review status: criteria provided, single submitter. Criteria: ACMG Guidelines, 2015. Collection method: not provided. Allele origin: germline. Inheritance: Autosomal dominant inheritance. Affected: yes.

PreventionGenetics, part of Exact Sciences
Classification: Benign for COL8A2-related condition. Last evaluated: 2019-09-10. Review status: no assertion criteria provided. Collection method: clinical testing. Allele origin: germline. Not counted in ClinVar's aggregate classification.
Comment: This variant is classified as benign based on ACMG/AMP sequence variant interpretation guidelines (Richards et al. 2015 PMID: 25741868, with internal and published modifications).

NM_005202.4(COL8A2):c.1005C>G (p.Leu335=)

Gene: COL8A2 (collagen type VIII alpha 2 chain; minus strand). Cytogenetic location: 1p34.3.
Variant type: single nucleotide variant.
Coding change: c.1005C>G on transcript NM_005202.4 (MANE Select); coding-DNA position 1005, C replaced by G.
Protein change: p.Leu335=; no amino-acid change (leucine 335 retained).
Molecular consequence: synonymous variant.
Genome position (GRCh38, 1-based): chr1:36,098,676, G>C on the plus strand (C>G on the coding strand, the complement: COL8A2 is on the minus strand). VCF-style: chr1-36098676-G-C. GRCh37 (hg19) VCF-style: chr1-36564277-G-C.
Other names: c.810C>G, p.Leu270= (NM_001294347.2); c.1005C>G (NM_005202.3).
Identifiers: ClinVar variation 1229188 (VCV001229188.14), dbSNP rs79833067, ClinGen allele CA765011.